The following is an entry in ClinVar:

ClinVar aggregate classification (germline): Uncertain significance (1 of 4 stars; one submission).

Conditions:
Mucopolysaccharidosis type 6 (MPS6). Also called: N-ACETYLGALACTOSAMINE-4-SULFATASE DEFICIENCY; MPS VI; ARSB DEFICIENCY; ARYLSULFATASE B DEFICIENCY; MPS 6; Maroteaux Lamy syndrome. Identifiers: Orphanet 583, MedGen C0026709, MONDO:0009661, OMIM 253200.

Submission:

Labcorp Genetics (formerly Invitae), Labcorp
Classification: Uncertain significance for Mucopolysaccharidosis type 6. Last evaluated: 2024-07-17. Review status: criteria provided, single submitter. Criteria: Invitae Variant Classification Sherloc (09022015). Collection method: clinical testing. Allele origin: germline.
Comment: This sequence change replaces alanine, which is neutral and non-polar, with valine, which is neutral and non-polar, at codon 77 of the ARSB protein (p.Ala77Val). This variant is not present in population databases (gnomAD no frequency). This variant has not been reported in the literature in individuals affected with ARSB-related conditions. Advanced modeling of protein sequence and biophysical properties (such as structural, functional, and spatial information, amino acid conservation, physicochemical variation, residue mobility, and thermodynamic stability) performed at Invitae indicates that this missense variant is expected to disrupt ARSB protein function with a positive predictive value of 95%. In summary, the available evidence is currently insufficient to determine the role of this variant in disease. Therefore, it has been classified as a Variant of Uncertain Significance.

NM_000046.5(ARSB):c.230C>T (p.Ala77Val)

Genes: ARSB (arylsulfatase B; minus strand), LOC129994126 (ATAC-STARR-seq lymphoblastoid silent region 16127; plus strand). Cytogenetic location: 5q14.1.
Variant type: single nucleotide variant.
Coding change: c.230C>T on transcript NM_000046.5 (MANE Select); coding-DNA position 230, C replaced by T.
Protein change: p.Ala77Val; replaces alanine 77 with valine.
Molecular consequence: missense variant.
Genome position (GRCh38, 1-based): chr5:78,985,019, G>A on the plus strand (C>T on the coding strand, the complement: ARSB is on the minus strand). VCF-style: chr5-78985019-G-A. GRCh37 (hg19) VCF-style: chr5-78280842-G-A.
Other names: c.230C>T, p.Ala77Val (NM_198709.3); short protein forms A77V.
Identifiers: ClinVar variation 3622267 (VCV003622267.2).
Genomic context (GRCh38, chr5:78,985,019, plus strand): 5'-TGGCTCCGCGACGGCGTGCACAGCGGCTGCGTGTAGTAGTTGTCCAGGAGCACCCCGCCG[G>A]CCGCCAGCGCGTCCAGGTGCGGCGTGCGGATGCGGGAGCCGTGGAAGCCGACGTCGTTCC-3'
Protein context (NP_000037.2, residues 67-87): IRTPHLDALA[Ala77Val]GGVLLDNYYT